The following is an entry in ClinVar:

NM_005026.5(PIK3CD):c.1099_1100delinsCT (p.Ser367Leu)

Genes: PIK3CD (phosphatidylinositol-4,5-bisphosphate 3-kinase catalytic subunit delta; plus strand), LOC126805612 (MED14-independent group 3 enhancer GRCh37_chr1:9778914-9780113; plus strand). Cytogenetic location: 1p36.22.
Variant type: Indel.
Coding change: c.1099_1100delinsCT on transcript NM_005026.5 (MANE Select); coding-DNA positions 1099 to 1100, TC replaced by CT.
Protein change: p.Ser367Leu; replaces serine 367 with leucine.
Molecular consequence: missense variant.
Genome position (GRCh38, 1-based): chr1:9,718,772-9,718,773, TC replaced by CT. VCF-style: chr1-9718772-TC-CT. GRCh37 (hg19) VCF-style: chr1-9778830-TC-CT.
Other names: c.1099_1100delinsCT, p.Ser367Leu (NM_001350234.2); c.1012_1013delinsCT, p.Ser338Leu (NM_001350235.1); short protein forms S367L, S338L.
Identifiers: ClinVar variation 2838846 (VCV002838846.3), dbSNP rs2524939572, ClinGen allele CA2739272246.
Genomic context (GRCh38, chr1:9,718,772, plus strand): 5'-CTTTTCCACGGCAACGAGATGCTGTGCAAGACGGTGTCCAGCTCGGAGGTGAGCGTGTGC[TC>CT]GGAGCCCGTGTGGAAGCAGCGGCTGGAGTTCGACATCAACATCTGCGACCTGCCCCGCAT-3'
Protein context (NP_005017.3, residues 357-377): TVSSSEVSVC[Ser367Leu]EPVWKQRLEF

ClinVar aggregate classification (germline): Uncertain significance (1 of 4 stars; one submission).

Conditions:
Immunodeficiency 14 (IMD14A). Also called: p110-DELTA-ACTIVATING MUTATION CAUSING SENESCENT T CELLS, LYMPHADENOPATHY, AND IMMUNODEFICIENCY; IMMUNODEFICIENCY 14A WITH LYMPHOPROLIFERATION, AUTOSOMAL DOMINANT; ACTIVATED PI3K-DELTA SYNDROME 1; Activated PI3K Delta Syndrome Type 1 (APDS1). Identifiers: Orphanet 397596, Orphanet 693661, MedGen C5907821, MONDO:0014222, OMIM 615513.

Submission:

Labcorp Genetics (formerly Invitae), Labcorp
Classification: Uncertain significance for Activated PI3K-delta syndrome. Last evaluated: 2023-02-18. Review status: criteria provided, single submitter. Criteria: Invitae Variant Classification Sherloc (09022015). Collection method: clinical testing. Allele origin: germline.
Comment: In summary, the available evidence is currently insufficient to determine the role of this variant in disease. Therefore, it has been classified as a Variant of Uncertain Significance. An algorithm developed to predict the effect of missense changes on protein structure and function (PolyPhen-2) suggests that this variant is likely to be disruptive. This variant has not been reported in the literature in individuals affected with PIK3CD-related conditions. Information on the frequency of this variant in the gnomAD database is not available, as this variant may be reported differently in the database. This sequence change replaces serine, which is neutral and polar, with leucine, which is neutral and non-polar, at codon 367 of the PIK3CD protein (p.Ser367Leu).